The following is an entry in ClinVar:

NM_004398.4(DDX10):c.1563C>T (p.Thr521=)

Gene: DDX10 (DEAD-box helicase 10; plus strand). Cytogenetic location: 11q22.3.
Variant type: single nucleotide variant.
Coding change: c.1563C>T on transcript NM_004398.4 (MANE Select); coding-DNA position 1563, C replaced by T.
Protein change: p.Thr521=; no amino-acid change (threonine 521 retained).
Molecular consequence: synonymous variant.
Genome position (GRCh38, 1-based): chr11:108,723,060, C>T. VCF-style: chr11-108723060-C-T. GRCh37 (hg19) VCF-style: chr11-108593787-C-T.
Identifiers: ClinVar variation 790364 (VCV000790364.5), dbSNP rs61755348, ClinGen allele CA6268937.

ClinVar aggregate classification (germline): Benign. Review status: criteria provided, single submitter (1 of 4 stars). 2 submissions from 2 submitters: Benign (1). 1 of the submissions does not count toward it. Last evaluated 2017-11-30.

Conditions:
DDX10-related disorder. Also called: DDX10-related condition.

Allele frequency attached by ClinVar (database versions not stated): 1000 Genomes Project 30x 0.00265; 1000 Genomes Project 0.00300; TOPMed 0.00362; ESP Exome Variant Server 0.00392; gnomAD 0.00447 and 0.00454; ExAC 0.00507.
gnomAD v4.1: 9,238 of 1,612,586 alleles (0.57%); highest among the groups gnomAD compares: South Asian, 0.69%; 49 homozygotes.

Submissions (2):

Labcorp Genetics (formerly Invitae), Labcorp
Classification: Benign. Last evaluated: 2017-11-30. Review status: criteria provided, single submitter. Criteria: Invitae Variant Classification Sherloc (09022015). Collection method: clinical testing. Allele origin: germline.

PreventionGenetics, part of Exact Sciences
Classification: Likely benign for DDX10-related condition. Last evaluated: 2019-02-20. Review status: no assertion criteria provided. Collection method: clinical testing. Allele origin: germline. Not counted in ClinVar's aggregate classification.
Comment: This variant is classified as likely benign based on ACMG/AMP sequence variant interpretation guidelines (Richards et al. 2015 PMID: 25741868, with internal and published modifications).